The following is an entry in ClinVar:

NM_015072.5(TTLL5):c.2132_2135dup (p.Met712fs)

Gene: TTLL5 (tubulin tyrosine ligase like 5; plus strand). Cytogenetic location: 14q24.3.
Variant type: Duplication.
Coding change: c.2132_2135dup on transcript NM_015072.5 (MANE Select); coding-DNA positions 2132 to 2135, 4 bases duplicated (AGAT; older notation c.2132_2135dupAGAT).
Protein change: p.Met712fs; shifts the reading frame from methionine 712.
Molecular consequence: frameshift variant.
Genome position (GRCh38, 1-based): chr14:75,771,850-75,771,853, AGAT duplicated. VCF-style (leftmost placement, unchanged base first): chr14-75771849-C-CAGAT. GRCh37 (hg19) VCF-style: chr14-76238192-C-CAGAT.
Other names: c.2132_2135dupAGAT (NM_015072.4); short protein forms M712fs.
Identifiers: ClinVar variation 861699 (VCV000861699.50), dbSNP rs781415819, ClinGen allele CA7279602.
Genomic context (GRCh38, chr14:75,771,849, plus strand): 5'-CTGATGAAAGACAGTGGCGGTCAGACGTTCAGTGCCAGTTGGGCTGCCAAAGAGGATGAA[C>CAGAT]AGATGGTAAGGCTTTTCTTACTGAAACCTTTTTACTTTCCCTTTTTCTTTCTTCTTTCTG-3'

ClinVar aggregate classification (germline): Pathogenic/Likely pathogenic. Review status: criteria provided, multiple submitters, no conflicts (2 of 4 stars). 4 submissions from 4 submitters: Pathogenic (3); Likely pathogenic (1). Last evaluated 2025-11-17.

Conditions:
TTLL5-related disorder. Also called: TTLL5-related condition.

Allele frequency attached by ClinVar (database versions not stated): gnomAD 0.00003 and 0.00004; ExAC 0.00004; gnomAD exomes 0.00004 and 0.00006; TOPMed 0.00004; ESP Exome Variant Server 0.00008.

Submissions (4):

Labcorp Genetics (formerly Invitae), Labcorp
Classification: Pathogenic. Last evaluated: 2025-11-17. Review status: criteria provided, single submitter. Criteria: Invitae Variant Classification Sherloc (09022015). Collection method: clinical testing. Allele origin: germline.
Comment: This sequence change creates a premature translational stop signal (p.Met712Ilefs*15) in the TTLL5 gene. It is expected to result in an absent or disrupted protein product. Loss-of-function variants in TTLL5 are known to be pathogenic (PMID: 24791901, 27162334). This variant is present in population databases (rs781415819, gnomAD 0.01%). This premature translational stop signal has been observed in individual(s) with cone-rod dystrophy (PMID: 28173158). ClinVar contains an entry for this variant (Variation ID: 861699). For these reasons, this variant has been classified as Pathogenic.

GeneDx
Classification: Likely pathogenic. Last evaluated: 2025-07-13. Review status: criteria provided, single submitter. Criteria: GeneDx Variant Classification Process June 2021. Collection method: clinical testing. Allele origin: germline. Affected: yes.
Comment: Frameshift variant predicted to result in protein truncation or nonsense mediated decay in a gene for which loss of function is a known mechanism of disease; This variant is associated with the following publications: (PMID: 31964843, 28173158)

PreventionGenetics, part of Exact Sciences
Classification: Pathogenic for TTLL5-related condition. Last evaluated: 2025-01-23. Review status: criteria provided, single submitter. Criteria: ACMG Guidelines, 2015. Collection method: clinical testing. Allele origin: germline.
Comment: The TTLL5 c.2132_2135dupAGAT variant is predicted to result in a frameshift and premature protein termination (p.Met712Ilefs*15). This variant was reported in the homozygous state in an individual with cone dystrophy (described as c.2132_2133insGATA, Bedoni et al. 2016. PubMed ID: 28173158). This variant is reported in 0.012% of alleles in individuals of European (Non-Finnish) descent in gnomAD. Frameshift variants in TTLL5 are expected to be pathogenic. This variant is interpreted as pathogenic.

CeGaT Center for Human Genetics Tuebingen
Classification: Pathogenic. Last evaluated: 2017-05-01. Review status: criteria provided, single submitter. Criteria: CeGaT Center For Human Genetics Tuebingen Variant Classification Criteria Version 2. Collection method: clinical testing. Allele origin: germline. Affected: yes. Observed: 1 variant allele.

Literature cited by the submitters: PubMed 24791901 (cited by Labcorp Genetics (formerly Invitae), Labcorp); PubMed 27162334 (cited by Labcorp Genetics (formerly Invitae), Labcorp); PubMed 28173158 (cited by Labcorp Genetics (formerly Invitae), Labcorp).